The following is an entry in ClinVar:

NM_130384.3(ATRIP):c.1903C>A (p.Leu635Met)

Genes: ATRIP (ATR interacting protein; plus strand), ATRIP-TREX1 (ATRIP-TREX1 readthrough; plus strand). Cytogenetic location: 3p21.31.
Variant type: single nucleotide variant.
Coding change: c.1903C>A on transcript NM_130384.3 (MANE Select); coding-DNA position 1903, C replaced by A.
Protein change: p.Leu635Met; replaces leucine 635 with methionine.
Molecular consequence: missense variant. On other transcripts: non-coding transcript variant (1).
Genome position (GRCh38, 1-based): chr3:48,464,061, C>A. VCF-style: chr3-48464061-C-A. GRCh37 (hg19) VCF-style: chr3-48505460-C-A.
Other names: c.1522C>A, p.Leu508Met (NM_001271022.2); c.1624C>A, p.Leu542Met (NM_001271023.2); c.1903C>A, p.Leu635Met (NM_032166.4); short protein forms L508M, L542M, L635M.
Identifiers: ClinVar variation 4842161 (VCV004842161.1).

ClinVar aggregate classification (germline): Uncertain significance (1 of 4 stars; one submission).

gnomAD v4.1: 5 of 1,613,780 alleles (0.00031%); highest among the groups gnomAD compares: South Asian, 0.0044%; no homozygotes.

Submission:

Ambry Genetics
Classification: Uncertain significance. Last evaluated: 2025-12-20. Review status: criteria provided, single submitter. Criteria: Ambry Variant Classification Scheme 2023. Collection method: clinical testing. Allele origin: germline.
Comment: The p.L635M variant (also known as c.1903C>A), located in coding exon 10 of the ATRIP gene, results from a C to A substitution at nucleotide position 1903. The leucine at codon 635 is replaced by methionine, an amino acid with highly similar properties. This amino acid position is conserved. In addition, the in silico prediction for this alteration is inconclusive. Based on the available evidence, the clinical significance of this variant remains unclear.